The following is an entry in ClinVar:

NM_001195248.2(APTX):c.588_595del (p.Lys197fs)

Gene: APTX (aprataxin; minus strand). Cytogenetic location: 9p21.1.
Variant type: Deletion.
Coding change: c.588_595del on transcript NM_001195248.2 (MANE Select); coding-DNA positions 588 to 595, 8 bases deleted (AAAGGCCC; older notation c.588_595delAAAGGCCC).
Protein change: p.Lys197fs; shifts the reading frame from lysine 197.
Molecular consequence: frameshift variant. On other transcripts: non-coding transcript variant (9).
Genome position (GRCh38, 1-based): chr9:32,984,806-32,984,813, GGGCCTTT deleted on the plus strand (AAAGGCCC on the coding strand, the reverse complement: APTX is on the minus strand); deleting any 8 consecutive bases within chr9:32,984,806-32,984,816 gives the same sequence; the c. name uses the placement nearest the transcript's 3' end. VCF-style (leftmost placement, unchanged base first): chr9-32984805-CGGGCCTTT-C. GRCh37 (hg19) VCF-style: chr9-32984803-CGGGCCTTT-C.
Other names: c.588_595del, p.Lys197fs (NM_001195249.2, NM_001195251.2, NM_001368995.1 and 6 more transcripts); c.426_433del, p.Lys143fs (NM_001195250.2, NM_001195254.2, NM_001369000.1 and 1 more transcripts); c.372_379del, p.Lys125fs (NM_001195252.2); c.324_331del, p.Lys109fs (NM_001369002.1, NM_001369003.1, NM_001369004.1 and 5 more transcripts); c.63_70delCCCAAAGG, p.Lys23Leufs (NM_175071.1); short protein forms K197fs, K143fs, K109fs, K125fs.
Identifiers: ClinVar variation 2019865 (VCV002019865.4), dbSNP rs1563961179, ClinGen allele CA587565623.

ClinVar aggregate classification (germline): Pathogenic (1 of 4 stars; one submission).

Submission:

Labcorp Genetics (formerly Invitae), Labcorp
Classification: Pathogenic. Last evaluated: 2022-11-29. Review status: criteria provided, single submitter. Criteria: Invitae Variant Classification Sherloc (09022015). Collection method: clinical testing. Allele origin: germline.
Comment: For these reasons, this variant has been classified as Pathogenic. This variant has not been reported in the literature in individuals affected with APTX-related conditions. This variant is present in population databases (no rsID available, gnomAD 0.01%). This sequence change creates a premature translational stop signal (p.Lys197Leufs*23) in the APTX gene. It is expected to result in an absent or disrupted protein product. Loss-of-function variants in APTX are known to be pathogenic (PMID: 15719174, 21465257, 23183622, 26285866).

Literature cited by the submitters: PubMed 15719174; PubMed 21465257; PubMed 23183622; PubMed 26285866.